The following is an entry in ClinVar:

NM_024577.4(SH3TC2):c.3512G>C (p.Arg1171Pro)

Gene: SH3TC2 (SH3 domain and tetratricopeptide repeats 2; minus strand). Cytogenetic location: 5q32.
Variant type: single nucleotide variant.
Coding change: c.3512G>C on transcript NM_024577.4 (MANE Select); coding-DNA position 3512, G replaced by C.
Protein change: p.Arg1171Pro; replaces arginine 1171 with proline.
Molecular consequence: missense variant.
Genome position (GRCh38, 1-based): chr5:149,007,044, C>G on the plus strand (G>C on the coding strand, the complement: SH3TC2 is on the minus strand). VCF-style: chr5-149007044-C-G. GRCh37 (hg19) VCF-style: chr5-148386607-C-G.
Other names: short protein forms R1171P.
Identifiers: ClinVar variation 543366 (VCV000543366.8), dbSNP rs200728983, ClinGen allele CA361664220.

ClinVar aggregate classification (germline): Uncertain significance (1 of 4 stars; one submission).

Conditions:
Charcot-Marie-Tooth disease type 4. Also called: Charcot-Marie-Tooth, Type 4; Charcot-Marie-Tooth disease, type IV. Identifiers: Orphanet 64749, MedGen C4082197, MONDO:0018995.

Submission:

Labcorp Genetics (formerly Invitae), Labcorp
Classification: Uncertain significance for Charcot-Marie-Tooth disease type 4. Last evaluated: 2017-12-30. Review status: criteria provided, single submitter. Criteria: Invitae Variant Classification Sherloc (09022015). Collection method: clinical testing. Allele origin: germline.
Comment: This sequence change replaces arginine with proline at codon 1171 of the SH3TC2 protein (p.Arg1171Pro). The arginine residue is highly conserved and there is a moderate physicochemical difference between arginine and proline. This variant is not present in population databases (ExAC no frequency). This variant has not been reported in the literature in individuals with SH3TC2-related disease. Algorithms developed to predict the effect of missense changes on protein structure and function (SIFT, PolyPhen-2, Align-GVGD) all suggest that this variant is likely to be disruptive, but these predictions have not been confirmed by published functional studies and their clinical significance is uncertain. In summary, the available evidence is currently insufficient to determine the role of this variant in disease. Therefore, it has been classified as a Variant of Uncertain Significance. Other missense substitutions at this codon (p.Arg1171Cys and p.Arg1171Leu) have been reported in individuals affected with Charcot-Marie-Tooth disease (PMID: 23466821, 22462672).

Literature cited by the submitters: PubMed 23466821; PubMed 22462672.